The following is an entry in ClinVar:

ClinVar aggregate classification (germline): Pathogenic (1 of 4 stars; one submission).

Conditions:
Duchenne muscular dystrophy (DMD). Also called: Duchenne Muscular Dystrophy (DMD); MUSCULAR DYSTROPHY, PSEUDOHYPERTROPHIC PROGRESSIVE, DUCHENNE TYPE. Identifiers: Orphanet 98896, MedGen C0013264, MONDO:0010679, OMIM 310200.

Submission:

Labcorp Genetics (formerly Invitae), Labcorp
Classification: Pathogenic for Duchenne muscular dystrophy. Last evaluated: 2022-11-29. Review status: criteria provided, single submitter. Criteria: Invitae Variant Classification Sherloc (09022015). Collection method: clinical testing. Allele origin: germline.
Comment: For these reasons, this variant has been classified as Pathogenic. This variant disrupts a region of the DMD protein in which other variant(s) (Deletion (Exons 50-51)) have been determined to be pathogenic (PMID: 8543940, 23667215, 25482253). This suggests that this is a clinically significant region of the protein, and that variants that disrupt it are likely to be disease-causing. This variant has not been reported in the literature in individuals affected with DMD-related conditions. This variant results in the deletion of exons 50-52 and part of exon 53 (c.7200+2560_7693del) of the DMD gene. It is expected to disrupt RNA splicing. Variants that disrupt the donor or acceptor splice site typically lead to a loss of protein function (PMID: 16199547), and loss-of-function variants in DMD are known to be pathogenic (PMID: 16770791, 25007885).

Literature cited by the submitters: PubMed 8543940; PubMed 23667215; PubMed 25482253; PubMed 16199547; PubMed 16770791; PubMed 25007885.

NC_000023.10:g.(?_31697671)_(31852275_?)del

Gene: DMD (dystrophin; minus strand). Cytogenetic location: Xp21.1.
Variant type: Deletion.
Identifiers: ClinVar variation 2425007 (VCV002425007.5).